The following is an entry in ClinVar:

NM_198578.4(LRRK2):c.3446T>C (p.Leu1149Pro)

Gene: LRRK2 (leucine rich repeat kinase 2; plus strand). Cytogenetic location: 12q12.
Variant type: single nucleotide variant.
Coding change: c.3446T>C on transcript NM_198578.4 (MANE Select); coding-DNA position 3446, T replaced by C.
Protein change: p.Leu1149Pro; replaces leucine 1149 with proline.
Molecular consequence: missense variant.
Genome position (GRCh38, 1-based): chr12:40,299,207, T>C. VCF-style: chr12-40299207-T-C. GRCh37 (hg19) VCF-style: chr12-40693009-T-C.
Other names: short protein forms L1149P.
Identifiers: ClinVar variation 3229612 (VCV003229612.2), dbSNP rs762736323, ClinGen allele CA6513902.

ClinVar aggregate classification (germline): Uncertain significance. Review status: criteria provided, multiple submitters, no conflicts (2 of 4 stars). 2 submissions from 2 submitters: Uncertain significance (2). Last evaluated 2026-08-01.

Conditions:
Inborn genetic diseases. Identifiers: MedGen C0950123, MeSH D030342.

Allele frequency attached by ClinVar (database versions not stated): gnomAD exomes below 0.00001; ExAC 0.00001.
gnomAD v4.1: 1 of 1,613,708 alleles (0.000062%); highest among the groups gnomAD compares: Non-Finnish European, 0.000085%; no homozygotes.

Submissions (2):

CeGaT Center for Human Genetics Tuebingen
Classification: Uncertain significance. Last evaluated: 2026-08-01. Review status: criteria provided, single submitter. Criteria: CeGaT Center For Human Genetics Tuebingen Variant Classification Criteria Version 2. Collection method: clinical testing. Allele origin: germline. Affected: yes. Observed: 1 variant allele.
Comment: LRRK2: PM2, BP4

Ambry Genetics
Classification: Uncertain significance for Inborn genetic diseases. Last evaluated: 2024-02-28. Review status: criteria provided, single submitter. Criteria: Ambry Variant Classification Scheme 2023. Collection method: clinical testing. Allele origin: germline.
Comment: The p.L1149P variant (also known as c.3446T>C), located in coding exon 25 of the LRRK2 gene, results from a T to C substitution at nucleotide position 3446. The leucine at codon 1149 is replaced by proline, an amino acid with similar properties. This amino acid position is conserved. In addition, the in silico prediction for this alteration is inconclusive. Based on the available evidence, the clinical significance of this alteration remains unclear.